The following is an entry in ClinVar:

ClinVar aggregate classification (germline): Conflicting classifications of pathogenicity. Review status: criteria provided, conflicting classifications (1 of 4 stars). 2 submissions from 2 submitters: Uncertain significance (1); Likely benign (1). Last evaluated 2026-09-24.

Conditions:
PLXNA3-related disorder. Also called: PLXNA3-related condition.

Allele frequency attached by ClinVar (database versions not stated): gnomAD exomes 0.00002; ExAC 0.00007; 1000 Genomes Project 30x 0.00062; 1000 Genomes Project 0.00079; ESP Exome Variant Server 0.00019; gnomAD 0.00022; TOPMed 0.00025.
gnomAD v4.1: 41 of 1,190,504 alleles (0.0034%); highest among the groups gnomAD compares: African/African-American, 0.068%; no homozygotes.

Submissions (2):

PreventionGenetics, part of Exact Sciences
Classification: Likely benign for PLXNA3-related condition. Last evaluated: 2026-09-24. Review status: criteria provided, single submitter. Criteria: ACMG Guidelines, 2015. Collection method: clinical testing. Allele origin: germline.
Comment: This variant is classified as likely benign based on ACMG/AMP sequence variant interpretation guidelines (Richards et al. 2015 PMID: 25741868, with internal and published modifications).

Ambry Genetics
Classification: Uncertain significance. Last evaluated: 2021-09-15. Review status: criteria provided, single submitter. Criteria: Ambry Variant Classification Scheme 2023. Collection method: clinical testing. Allele origin: germline.

NM_017514.5(PLXNA3):c.431G>T (p.Gly144Val)

Gene: PLXNA3 (plexin A3; plus strand). Cytogenetic location: Xq28.
Variant type: single nucleotide variant.
Coding change: c.431G>T on transcript NM_017514.5 (MANE Select); coding-DNA position 431, G replaced by T.
Protein change: p.Gly144Val; replaces glycine 144 with valine.
Molecular consequence: missense variant.
Genome position (GRCh38, 1-based): chrX:154,460,614, G>T. VCF-style: chrX-154460614-G-T. GRCh37 (hg19) VCF-style: chrX-153688954-G-T.
Other names: short protein forms G144V.
Identifiers: ClinVar variation 2230015 (VCV002230015.5), dbSNP rs372936004, ClinGen allele CA10563687.